The following is an entry in ClinVar:

ClinVar aggregate classification (germline): Conflicting classifications of pathogenicity. Review status: criteria provided, conflicting classifications (1 of 4 stars). 2 submissions from 2 submitters: Uncertain significance (1); Likely benign (1). Last evaluated 2025-04-25.

Conditions:
Hereditary cancer-predisposing syndrome. Also called: Hereditary neoplastic syndrome; Neoplastic Syndromes, Hereditary; Tumor predisposition; Hereditary Cancer Syndrome. Identifiers: Orphanet 140162, MedGen C0027672, MeSH D009386, MONDO:0015356.
Neuroblastoma, susceptibility to, 3. Also called: ALK-Related Neuroblastic Tumor Susceptibility. Identifiers: Orphanet 635, MedGen C2751681, MONDO:0013083, OMIM 613014.

Allele frequency attached by ClinVar (database versions not stated): TOPMed below 0.00001; gnomAD 0.00001; gnomAD exomes 0.00002.
gnomAD v4.1: 15 of 1,614,088 alleles (0.00093%); highest among the groups gnomAD compares: Non-Finnish European, 0.0012%; no homozygotes.

Submissions (2):

Ambry Genetics
Classification: Likely benign for Hereditary cancer-predisposing syndrome. Last evaluated: 2025-04-25. Review status: criteria provided, single submitter. Criteria: Ambry Variant Classification Scheme 2023. Collection method: clinical testing. Allele origin: germline.

Labcorp Genetics (formerly Invitae), Labcorp
Classification: Uncertain significance for Neuroblastoma, susceptibility to, 3. Last evaluated: 2025-01-06. Review status: criteria provided, single submitter. Criteria: Invitae Variant Classification Sherloc (09022015). Collection method: clinical testing. Allele origin: germline.
Comment: This sequence change replaces leucine, which is neutral and non-polar, with proline, which is neutral and non-polar, at codon 1609 of the ALK protein (p.Leu1609Pro). This variant is not present in population databases (gnomAD no frequency). This variant has not been reported in the literature in individuals affected with ALK-related conditions. ClinVar contains an entry for this variant (Variation ID: 1006905). An algorithm developed to predict the effect of missense changes on protein structure and function (PolyPhen-2) suggests that this variant is likely to be tolerated. In summary, the available evidence is currently insufficient to determine the role of this variant in disease. Therefore, it has been classified as a Variant of Uncertain Significance.

NM_004304.5(ALK):c.4826T>C (p.Leu1609Pro)

Gene: ALK (ALK receptor tyrosine kinase; minus strand). Cytogenetic location: 2p23.2.
Variant type: single nucleotide variant.
Coding change: c.4826T>C on transcript NM_004304.5 (MANE Select); coding-DNA position 4826, T replaced by C.
Protein change: p.Leu1609Pro; replaces leucine 1609 with proline.
Molecular consequence: missense variant.
Genome position (GRCh38, 1-based): chr2:29,193,261, A>G on the plus strand (T>C on the coding strand, the complement: ALK is on the minus strand). VCF-style: chr2-29193261-A-G. GRCh37 (hg19) VCF-style: chr2-29416127-A-G.
Other names: c.1622T>C, p.Leu541Pro (NM_001353765.2); short protein forms L1609P, L541P.
Identifiers: ClinVar variation 1006905 (VCV001006905.10), dbSNP rs1668919067, ClinGen allele CA346460093.